The following is an entry in ClinVar:

ClinVar aggregate classification (germline): Conflicting classifications of pathogenicity. Review status: criteria provided, conflicting classifications (1 of 4 stars). 3 submissions from 3 submitters: Uncertain significance (1); Likely benign (1). 1 of the submissions does not count toward it. Last evaluated 2024-05-26.

Conditions:
Hereditary breast ovarian cancer syndrome. Also called: Hereditary breast and ovarian cancer syndrome; Hereditary breast and ovarian cancer; Hereditary breast and ovarian cancer syndrome (HBOC); Breast and ovarian cancer; Hereditary breast and/or ovarian cancer syndrome; BRCA1- and BRCA2-Associated Hereditary Breast and Ovarian Cancer. Identifiers: Orphanet 145, MedGen C0677776, MeSH D061325, MONDO:0003582. Disease mechanism: loss of function.
Breast-ovarian cancer, familial, susceptibility to, 2 (BROVCA2). Also called: BRCA2 Hereditary Breast and Ovarian Cancer. Identifiers: Orphanet 145, MedGen C2675520, MONDO:0012933, OMIM 612555. Disease mechanism: loss of function.
Hereditary cancer-predisposing syndrome. Also called: Neoplastic Syndromes, Hereditary; Tumor predisposition; Hereditary Cancer Syndrome; Hereditary neoplastic syndrome. Identifiers: Orphanet 140162, MedGen C0027672, MeSH D009386, MONDO:0015356.

gnomAD v4.1: 1 of 1,565,676 alleles (0.000064%); highest among the groups gnomAD compares: East Asian, 0.0023%; no homozygotes.

Submissions (3):

Labcorp Genetics (formerly Invitae), Labcorp
Classification: Uncertain significance for Hereditary breast ovarian cancer syndrome. Last evaluated: 2024-05-26. Review status: criteria provided, single submitter. Criteria: Invitae Variant Classification Sherloc (09022015). Collection method: clinical testing. Allele origin: germline.
Comment: This sequence change replaces phenylalanine, which is neutral and non-polar, with serine, which is neutral and polar, at codon 1305 of the BRCA2 protein (p.Phe1305Ser). This variant is not present in population databases (gnomAD no frequency). This variant has not been reported in the literature in individuals affected with BRCA2-related conditions. ClinVar contains an entry for this variant (Variation ID: 51561). Advanced modeling of protein sequence and biophysical properties (such as structural, functional, and spatial information, amino acid conservation, physicochemical variation, residue mobility, and thermodynamic stability) performed at Invitae indicates that this missense variant is not expected to disrupt BRCA2 protein function with a negative predictive value of 95%. In summary, the available evidence is currently insufficient to determine the role of this variant in disease. Therefore, it has been classified as a Variant of Uncertain Significance.

University of Washington Department of Laboratory Medicine, University of Washington
Classification: Likely benign for Hereditary cancer-predisposing syndrome. Last evaluated: 2023-03-23. Review status: criteria provided, single submitter. Criteria: Dines et al. (Genet Med. 2020). Collection method: curation. Allele origin: germline.
Comment: Missense variant in a coldspot region where missense variants are very unlikely to be pathogenic (PMID:31911673).

BRCA2 exon 11 coldspot. Reclassification based on statistical prior probability.

Breast Cancer Information Core (BIC) (BRCA2)
Classification: Uncertain significance for Breast-ovarian cancer, familial 2. Last evaluated: 1999-06-22. Review status: no assertion criteria provided. Collection method: clinical testing. Allele origin: germline. Affected: yes. Observed: 1 variant allele. Not counted in ClinVar's aggregate classification.

NM_000059.4(BRCA2):c.3914T>C (p.Phe1305Ser)

Gene: BRCA2 (BRCA2 DNA repair associated; plus strand). Cytogenetic location: 13q13.1.
Variant type: single nucleotide variant.
Coding change: c.3914T>C on transcript NM_000059.4 (MANE Select); coding-DNA position 3914, T replaced by C.
Protein change: p.Phe1305Ser; replaces phenylalanine 1305 with serine.
Molecular consequence: missense variant.
Genome position (GRCh38, 1-based): chr13:32,338,269, T>C. VCF-style: chr13-32338269-T-C. GRCh37 (hg19) VCF-style: chr13-32912406-T-C.
Other names: short protein forms F1305S.
Identifiers: ClinVar variation 51561 (VCV000051561.6), dbSNP rs80358635, ClinGen allele CA019159.